The following is an entry in ClinVar:

NM_000321.3(RB1):c.285A>G (p.Lys95=)

Gene: RB1 (RB transcriptional corepressor 1; plus strand). Cytogenetic location: 13q14.2.
Variant type: single nucleotide variant.
Coding change: c.285A>G on transcript NM_000321.3 (MANE Select); coding-DNA position 285, A replaced by G.
Protein change: p.Lys95=; no amino-acid change (lysine 95 retained).
Molecular consequence: synonymous variant.
Genome position (GRCh38, 1-based): chr13:48,342,619, A>G. VCF-style: chr13-48342619-A-G. GRCh37 (hg19) VCF-style: chr13-48916755-A-G.
Identifiers: ClinVar variation 458163 (VCV000458163.16), dbSNP rs755688480, ClinGen allele CA037478.

ClinVar aggregate classification (germline): Benign/Likely benign. Review status: criteria provided, multiple submitters, no conflicts (2 of 4 stars). 4 submissions from 4 submitters: Benign (1); Likely benign (3). Last evaluated 2026-06-23.

Conditions:
Hereditary cancer-predisposing syndrome. Also called: Hereditary neoplastic syndrome; Neoplastic Syndromes, Hereditary; Hereditary Cancer Syndrome; Tumor predisposition. Identifiers: Orphanet 140162, MedGen C0027672, MeSH D009386, MONDO:0015356.
Retinoblastoma (RB1). Also called: RETINOBLASTOMA, SOMATIC. Identifiers: Orphanet 790, MedGen C0035335, MeSH D012175, MONDO:0008380, OMIM 180200, HP:0009919. Disease mechanism: loss of function. Inheritance: Both sporadic and heritable forms are tested..

Allele frequency attached by ClinVar (database versions not stated): ExAC 0.00001; gnomAD 0.00005 and 0.00006; gnomAD exomes below 0.00001; TOPMed 0.00008.
gnomAD v4.1: 13 of 1,610,540 alleles (0.00081%); highest among the groups gnomAD compares: Admixed American, 0.015%; no homozygotes.

Submissions (4):

Myriad Genetics, Inc.
Classification: Benign for Retinoblastoma. Last evaluated: 2026-06-23. Review status: criteria provided, single submitter. Criteria: Myriad Autosomal Dominant, Autosomal Recessive and X-Linked Classification Criteria (2023). Collection method: clinical testing. Allele origin: unknown.
Comment: This variant is considered benign. This variant is a silent/synonymous amino acid change and it is not expected to impact splicing.

Labcorp Genetics (formerly Invitae), Labcorp
Classification: Likely benign for Retinoblastoma. Last evaluated: 2025-02-23. Review status: criteria provided, single submitter. Criteria: Invitae Variant Classification Sherloc (09022015). Collection method: clinical testing. Allele origin: germline.

All of Us Research Program, National Institutes of Health
Classification: Likely benign for Retinoblastoma. Last evaluated: 2023-08-28. Review status: criteria provided, single submitter. Criteria: ACMG Guidelines, 2015. Collection method: clinical testing. Allele origin: germline. Inheritance: Autosomal dominant inheritance. Observed: 2 variant alleles, 2 heterozygotes.
Comment: This study involves interpretation of variants in research participants for the purpose of population health screening. Participant phenotype was not available at the time of variant classification. Additional details can be found in publication PMID: 35346344, PMCID: PMC8962531

Ambry Genetics
Classification: Likely benign for Hereditary cancer-predisposing syndrome. Last evaluated: 2020-07-17. Review status: criteria provided, single submitter. Criteria: Ambry Variant Classification Scheme 2023. Collection method: clinical testing. Allele origin: germline.